The following continues an entry in ClinVar:

NM_000053.4(ATP7B):c.3451C>T (p.Arg1151Cys)

Gene: ATP7B. ClinVar aggregate classification (germline): Pathogenic/Likely pathogenic. Pathogenic (8); Likely pathogenic (9).

Submissions 9 to 18 of 18:

All of Us Research Program, National Institutes of Health
Classification: Likely pathogenic for Wilson disease. Last evaluated: 2024-08-06. Review status: criteria provided, single submitter. Criteria: ACMG Guidelines, 2015. Collection method: clinical testing. Allele origin: germline. Inheritance: Autosomal recessive inheritance. Observed: 14 variant alleles, 14 heterozygotes.
Comment: This missense variant replaces arginine with cysteine at codon 1151 of the ATP7B protein. Computational prediction suggests that this variant may have deleterious impact on protein structure and function. This variant alters a conserved arginine residue in the ATP nucleotide-binding domain of the ATP7B protein (a.a. 1032 - 1196), a highly conserved region that is considered to be important for ATP7B protein function (PMID: 35245129; ClinVar). Experimental studies have shown that this variant results in abnormal function in yeast complementation and growth assays (PMID: 21645214). This variant has been reported in numerous individuals affected with Wilson disease (PMID: 17949296, 21645214, 22484412, 23235335, 23333878, 26215059, 27398169, 27022412, 34428338, 34620762; DOI:10.46531/sinapse/AO/210033/2021). In at least one of these affected individuals, this variant has been determined to be compound heterozygous with another pathogenic variant in the same gene, indicating that this variant contributes to Wilson disease in an autosomal recessive manner (PMID: 23333878, 26215059). This variant has been identified in 14/249588 chromosomes in the general population by the Genome Aggregation Database (gnomAD). Based on the available evidence, this variant is classified as Likely Pathogenic.

This study involves interpretation of variants in research participants for the purpose of population health screening. Participant phenotype was not available at the time of variant classification. Additional details can be found in publication PMID: 35346344, PMCID: PMC8962531

Fulgent Genetics
Classification: Likely pathogenic for Wilson disease. Last evaluated: 2024-06-15. Review status: criteria provided, single submitter. Criteria: ACMG Guidelines, 2015. Collection method: clinical testing. Allele origin: germline.

Blueprint Genetics
Classification: Likely pathogenic for ATP7B-related disorders. Last evaluated: 2024-04-12. Review status: criteria provided, single submitter. Criteria: ACMG Guidelines, 2015. Collection method: clinical testing. Allele origin: germline. Affected: yes. Observed: 5 variant alleles.

Baylor Genetics
Classification: Likely pathogenic for Wilson disease. Last evaluated: 2024-03-21. Review status: criteria provided, single submitter. Criteria: ACMG Guidelines, 2015. Collection method: clinical testing. Allele origin: unknown.

Institute of Human Genetics, University of Leipzig Medical Center
Classification: Pathogenic for Wilson disease. Last evaluated: 2022-12-06. Review status: criteria provided, single submitter. Criteria: ACMG Guidelines, 2015. Collection method: clinical testing. Allele origin: unknown.
Comment: This variant was identified with NM_000053.4:c.1285+5G>T, phase is unknown.

Laboratory for Molecular Medicine, Mass General Brigham Personalized Medicine
Classification: Likely pathogenic for Wilson disease. Last evaluated: 2022-11-03. Review status: criteria provided, single submitter. Criteria: ACMG Guidelines, 2015. Collection method: clinical testing. Allele origin: germline.
Comment: The p.Arg1151Cys variant in ATP7B has been reported in more than 5 individuals with Wilson disease (at least 3 in the compound heterozygous state)(Lepori 2007 PMID: 17949296, Lee 2011 PMID:21645214, Papur 2013 PMID: 23333878, Hua 2016 PMID: 27398169, Dong 2016 PMID: 27022412). This variant has also been reported in ClinVar (Variation ID: 188839). It has also been identified in 1/4822 South Asian chromosomes by gnomAD. Computational prediction tools and conservation analyses suggest that this variant may impact the protein, though this information is not predictive enough to determine pathogenicity. In vitro functional studies support an impact on protein function (Lee 2011 PMID: 21645214). Other variants involving this codon (including the likely pathogenic p.Arg1151His) have been identified in individuals with Wilson disease. In summary, although additional studies are required to fully establish its clinical significance, this variant meets criteria to be classified as likely pathogenic for autosomal recessive Wilson disease. ACMG/AMP Criteria applied: PM2_supporting, PP3, PM5, PS3_Supporting, PM3.

Mayo Clinic Laboratories, Mayo Clinic
Classification: Likely pathogenic. Last evaluated: 2021-07-16. Review status: criteria provided, single submitter. Criteria: ACMG Guidelines, 2015. Collection method: clinical testing. Allele origin: germline.

Hadassah Hebrew University Medical Center
Classification: Likely pathogenic for Wilson disease. Last evaluated: 2019-06-20. Review status: criteria provided, single submitter. Criteria: ACMG Guidelines, 2015. Collection method: clinical testing. Allele origin: germline. Affected: yes.

Juno Genomics, Hangzhou Juno Genomics, Inc
Classification: Pathogenic for Wilson disease. Review status: criteria provided, single submitter. Criteria: ACMG Guidelines, 2015. Collection method: clinical testing. Allele origin: germline.
Comment: Absent from controls (or at extremely low frequency if recessive) in Genome Aggregation Database.;Multiple lines of computational evidence support a deleterious effect on the gene or gene product.;For recessive disorders, detected in trans with a pathogenic variant.;Patient's phenotype or family history is highly specific for a disease with a single genetic etiology.;Novel missense change at an amino acid residue where a different missense change determined to be pathogenic has been seen before.

Counsyl
Classification: Likely pathogenic for Wilson's disease. Last evaluated: 2014-06-20. Review status: no assertion criteria provided. Collection method: literature only. Allele origin: unknown. Inheritance: Autosomal recessive inheritance. Not counted in ClinVar's aggregate classification.

Literature cited by the submitters: PubMed 17949296 (cited by 6 submitters); PubMed 22692182 (cited by 3 submitters); PubMed 21645214 (cited by 5 submitters); PubMed 22484412 (cited by 5 submitters); PubMed 23235335 (cited by 4 submitters); PubMed 23333878 (cited by 7 submitters); PubMed 24253677 (cited by 3 submitters); PubMed 22895193 (cited by Women's Health and Genetics/Laboratory Corporation of America, LabCorp); PubMed 23089210 (cited by Women's Health and Genetics/Laboratory Corporation of America, LabCorp); PubMed 35220961 (cited by Natera, Inc.); PubMed 30232804 (cited by Natera, Inc.); PubMed 27398169 (cited by 4 submitters); PubMed 27992490 (cited by Natera, Inc.); PubMed 10544227 (cited by Labcorp Genetics (formerly Invitae), Labcorp); PubMed 15205462 (cited by Labcorp Genetics (formerly Invitae), Labcorp); PubMed 30655162 (cited by Labcorp Genetics (formerly Invitae), Labcorp); PubMed 26215059 (cited by 3 submitters); PubMed 27022412 (cited by 3 submitters); PubMed 34428338 (cited by Color Diagnostics, LLC DBA Color Health and All of Us Research Program, National Institutes of Health); PubMed 34620762 (cited by Color Diagnostics, LLC DBA Color Health and All of Us Research Program, National Institutes of Health); PubMed 35245129 (cited by Color Diagnostics, LLC DBA Color Health and All of Us Research Program, National Institutes of Health); PubMed 15147237 (cited by Counsyl).